The following is an entry in ClinVar:

NM_001384900.1(SEMA3D):c.477T>A (p.Asp159Glu)

Gene: SEMA3D (semaphorin 3D; minus strand). Cytogenetic location: 7q21.11.
Variant type: single nucleotide variant.
Coding change: c.477T>A on transcript NM_001384900.1 (MANE Select); coding-DNA position 477, T replaced by A.
Protein change: p.Asp159Glu; replaces aspartic acid 159 with glutamic acid.
Molecular consequence: missense variant.
Genome position (GRCh38, 1-based): chr7:85,072,980, A>T on the plus strand (T>A on the coding strand, the complement: SEMA3D is on the minus strand). VCF-style: chr7-85072980-A-T. GRCh37 (hg19) VCF-style: chr7-84702296-A-T.
Other names: c.477T>A, p.Asp159Glu (NM_001384901.1, NM_001384902.1, NM_001384903.1 and 1 more transcripts); short protein forms D159E.
Identifiers: ClinVar variation 3036509 (VCV003036509.2), dbSNP rs767376708, ClinGen allele CA4323734.

ClinVar aggregate classification (germline): Uncertain significance (0 of 4 stars; one submission).

Conditions:
SEMA3D-related disorder. Also called: SEMA3D-related condition.

Allele frequency attached by ClinVar (database versions not stated): gnomAD 0.00001; gnomAD exomes 0.00002; TOPMed 0.00003; ExAC 0.00008.
gnomAD v4.1: 25 of 1,607,754 alleles (0.0016%); highest among the groups gnomAD compares: Admixed American, 0.042%; no homozygotes.

Submission:

PreventionGenetics, part of Exact Sciences
Classification: Uncertain significance for SEMA3D-related condition. Last evaluated: 2023-11-27. Review status: no assertion criteria provided. Collection method: clinical testing. Allele origin: germline.
Comment: The SEMA3D c.477T>A variant is predicted to result in the amino acid substitution p.Asp159Glu. To our knowledge, this variant has not been reported in the literature. This variant is reported in 0.065% of alleles in individuals of Latino descent in gnomAD, which may be too common to be a primary cause of disease. Although we suspect that this variant may be benign, at this time, the clinical significance of this variant is uncertain due to the absence of conclusive functional and genetic evidence.